The following is an entry in ClinVar:

ClinVar aggregate classification (germline): Benign. Review status: criteria provided, multiple submitters, no conflicts (2 of 4 stars). 3 submissions from 3 submitters: Benign (2). 1 of the submissions does not count toward it. Last evaluated 2019-12-31.

Conditions:
POLQ-related disorder. Also called: POLQ-related condition.

Allele frequency attached by ClinVar (database versions not stated): 1000 Genomes Project 0.01737; 1000 Genomes Project 30x 0.01796; TOPMed 0.01982; ESP Exome Variant Server 0.02199.
gnomAD v4.1: 5,844 of 1,613,984 alleles (0.36%); highest among the groups gnomAD compares: African/African-American, 6.1%; 156 homozygotes.

Submissions (7):

Labcorp Genetics (formerly Invitae), Labcorp
Classification: Benign. Last evaluated: 2019-12-31. Review status: criteria provided, single submitter. Criteria: Invitae Variant Classification Sherloc (09022015). Collection method: clinical testing. Allele origin: germline.

Breakthrough Genomics
Classification: Benign. Review status: criteria provided, single submitter. Criteria: ACMG Guidelines, 2015. Collection method: not provided. Allele origin: germline. Inheritance: Unknown mechanism. Affected: yes.

PreventionGenetics, part of Exact Sciences
Classification: Benign for POLQ-related condition. Last evaluated: 2019-05-20. Review status: no assertion criteria provided. Collection method: clinical testing. Allele origin: germline. Not counted in ClinVar's aggregate classification.
Comment: This variant is classified as benign based on ACMG/AMP sequence variant interpretation guidelines (Richards et al. 2015 PMID: 25741868, with internal and published modifications).

Dr. Peter K. Rogan Lab, Western University
No classification provided (evidence only). Condition: Cervical cancer. Review status: no classification provided. Collection method: in vitro. Allele origin: not applicable. Functional consequence: retained intron. Not counted in ClinVar's aggregate classification.

Dr. Peter K. Rogan Lab, Western University
No classification provided (evidence only). Condition: Sarcoma. Review status: no classification provided. Collection method: in vitro. Allele origin: not applicable. Functional consequence: retained intron. Not counted in ClinVar's aggregate classification.

Dr. Peter K. Rogan Lab, Western University
No classification provided (evidence only). Condition: Uterine carcinosarcoma. Review status: no classification provided. Collection method: in vitro. Allele origin: not applicable. Functional consequence: retained intron. Not counted in ClinVar's aggregate classification.

Dr. Peter K. Rogan Lab, Western University
No classification provided (evidence only). Condition: Malignant tumor of esophagus. Review status: no classification provided. Collection method: in vitro. Allele origin: not applicable. Functional consequence: retained intron. Not counted in ClinVar's aggregate classification.

NM_199420.4(POLQ):c.5350G>T (p.Asp1784Tyr)

Gene: POLQ (DNA polymerase theta; minus strand). Cytogenetic location: 3q13.33.
Variant type: single nucleotide variant.
Coding change: c.5350G>T on transcript NM_199420.4 (MANE Select); coding-DNA position 5350, G replaced by T.
Protein change: p.Asp1784Tyr; replaces aspartic acid 1784 with tyrosine.
Molecular consequence: missense variant.
Genome position (GRCh38, 1-based): chr3:121,487,581, C>A on the plus strand (G>T on the coding strand, the complement: POLQ is on the minus strand). VCF-style: chr3-121487581-C-A. GRCh37 (hg19) VCF-style: chr3-121206428-C-A.
Other names: NC_000003.11:g.121206428C>A; short protein forms D1784Y.
Identifiers: ClinVar variation 780403 (VCV000780403.8), dbSNP rs61734794, ClinGen allele CA2562729.